The following is an entry in ClinVar:

NM_001127222.2(CACNA1A):c.7068G>A (p.Thr2356=)

Gene: CACNA1A (calcium voltage-gated channel subunit alpha1 A; minus strand). Cytogenetic location: 19p13.13.
Variant type: single nucleotide variant.
Coding change: c.7068G>A on transcript NM_001127222.2 (MANE Select); coding-DNA position 7068, G replaced by A.
Protein change: p.Thr2356=; no amino-acid change (threonine 2356 retained).
Molecular consequence: synonymous variant. On other transcripts: 3 prime UTR variant (3).
Genome position (GRCh38, 1-based): chr19:13,207,766, C>T on the plus strand (G>A on the coding strand, the complement: CACNA1A is on the minus strand). VCF-style: chr19-13207766-C-T. GRCh37 (hg19) VCF-style: chr19-13318580-C-T.
Other names: c.*280G>A (NM_001174080.2, NM_000068.4, NM_001127221.2); c.7086G>A, p.Thr2362= (NM_023035.3).
Identifiers: ClinVar variation 3905661 (VCV003905661.10).
Genomic context (GRCh38, chr19:13,207,766, plus strand): 5'-CCGGGCCGGGCCTGGGACCCGCCTCTCCATCCTGGGCGAGCGGCCGCTGCTGTGGCCCCC[C>T]GTGGGCGGCCGATCTCCGGCCAGAGGCTCGGCCGTGGGGCCTGGGTACCTCCGAGGGCCG-3'
Protein context (NP_001120694.1, residues 2346-2366): AEPLAGDRPP[Thr2356=]GGHSSGRSPR

ClinVar aggregate classification (germline): Likely benign (1 of 4 stars; one submission).

gnomAD v4.1: 42 of 1,378,078 alleles (0.003%); highest among the groups gnomAD compares: South Asian, 0.051%; no homozygotes.

Submission:

CeGaT Center for Human Genetics Tuebingen
Classification: Likely benign. Last evaluated: 2025-05-01. Review status: criteria provided, single submitter. Criteria: CeGaT Center For Human Genetics Tuebingen Variant Classification Criteria Version 2. Collection method: clinical testing. Allele origin: germline. Affected: yes. Observed: 1 variant allele.
Comment: CACNA1A: BP4, BP7